The following is an entry in ClinVar:

NM_030665.4(RAI1):c.4334AGA[1] (p.Lys1446del)

Gene: RAI1 (retinoic acid induced 1; plus strand). Cytogenetic location: 17p11.2.
Variant type: Microsatellite.
Coding change: c.4334AGA[1] on transcript NM_030665.4 (MANE Select); one copy of the 3-base unit AGA starting at c.4334; the reference has two copies in a row; one copy, 3 bases deleted.
Protein change: p.Lys1446del; deletes lysine 1446.
Molecular consequence: inframe deletion.
Genome position (GRCh38, 1-based): chr17:17,797,285-17,797,287, AGA deleted; deleting any 3 consecutive bases within chr17:17,797,281-17,797,287 gives the same sequence; the position shown is the placement nearest the transcript's 3' end. VCF-style (leftmost placement, unchanged base first): chr17-17797280-TAAG-T. GRCh37 (hg19) VCF-style: chr17-17700594-TAAG-T.
Other names: short protein forms K1446del.
Identifiers: ClinVar variation 2576831 (VCV002576831.1), dbSNP rs1239629072, ClinGen allele CA726656872.

ClinVar aggregate classification (germline): Uncertain significance (1 of 4 stars; one submission).

Submission:

GeneDx
Classification: Uncertain significance. Last evaluated: 2023-02-15. Review status: criteria provided, single submitter. Criteria: GeneDx Variant Classification Process June 2021. Collection method: clinical testing. Allele origin: germline. Affected: yes.
Comment: In-frame deletion of 1 amino acid in a non-repeat region; Not observed at significant frequency in large population cohorts (gnomAD); In silico analysis supports a deleterious effect on protein structure/function; Has not been previously published as pathogenic or benign to our knowledge